The following is an entry in ClinVar:

NM_014727.3(KMT2B):c.6680C>T (p.Thr2227Met)

Gene: KMT2B (lysine methyltransferase 2B; plus strand). Cytogenetic location: 19q13.12.
Variant type: single nucleotide variant.
Coding change: c.6680C>T on transcript NM_014727.3 (MANE Select); coding-DNA position 6680, C replaced by T.
Protein change: p.Thr2227Met; replaces threonine 2227 with methionine.
Molecular consequence: missense variant.
Genome position (GRCh38, 1-based): chr19:35,733,229, C>T. VCF-style: chr19-35733229-C-T. GRCh37 (hg19) VCF-style: chr19-36224130-C-T.
Other names: c.6680C>T (NM_014727.1); short protein forms T2227M.
Identifiers: ClinVar variation 1272432 (VCV001272432.25), dbSNP rs200908859, ClinGen allele CA9385737.

ClinVar aggregate classification (germline): Benign/Likely benign. Review status: criteria provided, multiple submitters, no conflicts (2 of 4 stars). 5 submissions from 5 submitters: Benign (2); Likely benign (3). Last evaluated 2026-01-05.

Conditions:
Inborn genetic diseases. Identifiers: MedGen C0950123, MeSH D030342.

Allele frequency attached by ClinVar (database versions not stated): ESP Exome Variant Server 0.00035; 1000 Genomes Project 0.00040; 1000 Genomes Project 30x 0.00047; gnomAD 0.00049 and 0.00054; gnomAD exomes 0.00069; ExAC 0.00154.
gnomAD v4.1: 1,057 of 1,490,482 alleles (0.071%); highest among the groups gnomAD compares: South Asian, 0.35%; 4 homozygotes.

Submissions (5):

Labcorp Genetics (formerly Invitae), Labcorp
Classification: Benign. Last evaluated: 2026-01-05. Review status: criteria provided, single submitter. Criteria: Invitae Variant Classification Sherloc (09022015). Collection method: clinical testing. Allele origin: germline.

CeGaT Center for Human Genetics Tuebingen
Classification: Likely benign. Last evaluated: 2025-10-01. Review status: criteria provided, single submitter. Criteria: CeGaT Center For Human Genetics Tuebingen Variant Classification Criteria Version 2. Collection method: clinical testing. Allele origin: germline. Affected: yes. Observed: 2 variant alleles.
Comment: KMT2B: BS2

Blueprint Genetics
Classification: Likely benign. Last evaluated: 2024-08-29. Review status: criteria provided, single submitter. Criteria: ACMG Guidelines, 2015. Collection method: clinical testing. Allele origin: germline.

Ambry Genetics
Classification: Likely benign for Inborn genetic diseases. Last evaluated: 2024-08-05. Review status: criteria provided, single submitter. Criteria: Ambry Variant Classification Scheme 2023. Collection method: clinical testing. Allele origin: germline.

GeneDx
Classification: Benign. Last evaluated: 2020-02-10. Review status: criteria provided, single submitter. Criteria: GeneDx Variant Classification Process June 2021. Collection method: clinical testing. Allele origin: germline. Affected: yes.